The following is an entry in ClinVar:

NM_003036.4(SKI):c.1613T>G (p.Leu538Arg)

Gene: SKI (SKI proto-oncogene; plus strand). Cytogenetic location: 1p36.32.
Variant type: single nucleotide variant.
Coding change: c.1613T>G on transcript NM_003036.4 (MANE Select); coding-DNA position 1613, T replaced by G.
Protein change: p.Leu538Arg; replaces leucine 538 with arginine.
Molecular consequence: missense variant.
Genome position (GRCh38, 1-based): chr1:2,304,431, T>G. VCF-style: chr1-2304431-T-G. GRCh37 (hg19) VCF-style: chr1-2235870-T-G.
Other names: short protein forms L538R.
Identifiers: ClinVar variation 4799797 (VCV004799797.2).

ClinVar aggregate classification (germline): Uncertain significance. Review status: criteria provided, multiple submitters, no conflicts (2 of 4 stars). 2 submissions from 2 submitters: Uncertain significance (2). Last evaluated 2025-10-02.

Conditions:
Shprintzen-Goldberg syndrome (SGS). Also called: SHPRINTZEN-GOLDBERG CRANIOSYNOSTOSIS SYNDROME; CRANIOSYNOSTOSIS WITH ARACHNODACTYLY AND ABDOMINAL HERNIAS; Marfanoid disorder with craniosynostosis type 1; Marfanoid craniosynostosis syndrome; Shprintzen-Goldberg marfanoid syndrome. Identifiers: Orphanet 2462, MedGen C1321551, MONDO:0008426, OMIM 182212.

gnomAD v4.1: 1 of 1,559,208 alleles (0.000064%); highest among the groups gnomAD compares: Non-Finnish European, 0.000087%; no homozygotes.

Submissions (2):

Labcorp Genetics (formerly Invitae), Labcorp
Classification: Uncertain significance for Shprintzen-Goldberg syndrome. Last evaluated: 2025-10-02. Review status: criteria provided, single submitter. Criteria: Invitae Variant Classification Sherloc (09022015). Collection method: clinical testing. Allele origin: germline.
Comment: This sequence change replaces leucine, which is neutral and non-polar, with arginine, which is basic and polar, at codon 538 of the SKI protein (p.Leu538Arg). This variant is not present in population databases (gnomAD no frequency). This variant has not been reported in the literature in individuals affected with SKI-related conditions. Invitae Evidence Modeling of protein sequence and biophysical properties (such as structural, functional, and spatial information, amino acid conservation, physicochemical variation, residue mobility, and thermodynamic stability) indicates that this missense variant is not expected to disrupt SKI protein function with a negative predictive value of 95%. In summary, the available evidence is currently insufficient to determine the role of this variant in disease. Therefore, it has been classified as a Variant of Uncertain Significance.

Blueprint Genetics
Classification: Uncertain significance. Last evaluated: 2022-10-05. Review status: criteria provided, single submitter. Criteria: ACMG Guidelines, 2015. Collection method: clinical testing. Allele origin: germline.